The following is an entry in ClinVar:

ClinVar aggregate classification (germline): Benign/Likely benign. Review status: criteria provided, multiple submitters, no conflicts (2 of 4 stars). 7 submissions from 7 submitters: Benign (1); Likely benign (6). Last evaluated 2025-12-19.

Conditions:
Cardiovascular phenotype. Identifiers: MedGen CN230736.
Cardiac arrhythmia. Also called: Arrhythmia; Cardiac rhythm disease. Identifiers: MedGen C0003811, MONDO:0007263, HP:0011675.
Atrial fibrillation, familial, 3 (ATFB3). Identifiers: MedGen C1837014, MONDO:0011857, OMIM 607554.
Long QT syndrome 1 (LQT1). Identifiers: Orphanet 101016, Orphanet 768, MedGen C4551647, MONDO:0100316, OMIM 192500, MONDO:0008646.
Short QT syndrome type 2. Identifiers: Orphanet 51083, MedGen C1865019, MONDO:0012313, OMIM 609621.
Beckwith-Wiedemann syndrome (BWS). Also called: Exomphalos macroglossia gigantism syndrome; EMG SYNDROME. Identifiers: Orphanet 116, MedGen C0004903, MONDO:0007534, OMIM 130650.
Jervell and Lange-Nielsen syndrome 1 (JLNS1). Also called: PROLONGED QT INTERVAL IN EKG AND SUDDEN DEATH; SURDO-CARDIAC SYNDROME; CARDIOAUDITORY SYNDROME OF JERVELL AND LANGE-NIELSEN; DEAFNESS, CONGENITAL, AND FUNCTIONAL HEART DISEASE. Identifiers: Orphanet 768, Orphanet 90647, MedGen C4551509, MONDO:0024540, OMIM 220400.
Long QT syndrome (LQTS). Identifiers: MedGen C0023976, MeSH D008133, MONDO:0002442. Disease mechanism: loss of function. Inheritance: Various modes of inheritance.

Allele frequency attached by ClinVar (database versions not stated): ExAC 0.00004; gnomAD exomes 0.00004 and 0.00009; gnomAD 0.00005; TOPMed 0.00005.
gnomAD v4.1: 137 of 1,613,700 alleles (0.0085%); highest among the groups gnomAD compares: Non-Finnish European, 0.01%; no homozygotes.

Submissions (7):

Labcorp Genetics (formerly Invitae), Labcorp
Classification: Likely benign for Long QT syndrome. Last evaluated: 2025-12-19. Review status: criteria provided, single submitter. Criteria: Invitae Variant Classification Sherloc (09022015). Collection method: clinical testing. Allele origin: germline.

All of Us Research Program, National Institutes of Health
Classification: Likely benign for Long QT syndrome. Last evaluated: 2024-08-06. Review status: criteria provided, single submitter. Criteria: ACMG Guidelines, 2015. Collection method: clinical testing. Allele origin: germline. Inheritance: Autosomal dominant inheritance. Observed: 25 variant alleles, 25 heterozygotes.
Comment: This study involves interpretation of variants in research participants for the purpose of population health screening. Participant phenotype was not available at the time of variant classification. Additional details can be found in publication PMID: 35346344, PMCID: PMC8962531

Women's Health and Genetics/Laboratory Corporation of America, LabCorp
Classification: Likely benign. Last evaluated: 2024-01-15. Review status: criteria provided, single submitter. Criteria: LabCorp Variant Classification Summary - May 2015. Collection method: clinical testing. Allele origin: germline.

Fulgent Genetics
Classification: Likely benign for Beckwith-Wiedemann syndrome; Long QT syndrome 1; Jervell and Lange-Nielsen syndrome 1; Atrial fibrillation, familial, 3; Short QT syndrome type 2. Last evaluated: 2021-07-01. Review status: criteria provided, single submitter. Criteria: ACMG Guidelines, 2015. Collection method: clinical testing. Allele origin: unknown.

Color Diagnostics, LLC DBA Color Health
Classification: Likely benign for Arrhythmia. Last evaluated: 2018-05-29. Review status: criteria provided, single submitter. Criteria: ACMG Guidelines, 2015. Collection method: clinical testing. Allele origin: germline.

Ambry Genetics
Classification: Likely benign for Cardiovascular phenotype. Last evaluated: 2016-07-06. Review status: criteria provided, single submitter. Criteria: Ambry Variant Classification Scheme 2023. Collection method: clinical testing. Allele origin: germline.

GeneDx
Classification: Benign. Last evaluated: 2013-10-31. Review status: criteria provided, single submitter. Criteria: GeneDx Variant Classification (06012015). Collection method: clinical testing. Allele origin: germline. Affected: yes.
Comment: This variant is considered likely benign or benign based on one or more of the following criteria: it is a conservative change, it occurs at a poorly conserved position in the protein, it is predicted to be benign by multiple in silico algorithms, and/or has population frequency not consistent with disease.

NM_000218.3(KCNQ1):c.1749C>T (p.Arg583=)

Gene: KCNQ1 (potassium voltage-gated channel subfamily Q member 1; plus strand). Cytogenetic location: 11p15.5.
Variant type: single nucleotide variant.
Coding change: c.1749C>T on transcript NM_000218.3 (MANE Select); coding-DNA position 1749, C replaced by T.
Protein change: p.Arg583=; no amino-acid change (arginine 583 retained).
Molecular consequence: synonymous variant.
Genome position (GRCh38, 1-based): chr11:2,777,992, C>T. VCF-style: chr11-2777992-C-T. GRCh37 (hg19) VCF-style: chr11-2799222-C-T.
Other names: p.R583R:CGC>CGT; c.1368C>T, p.Arg456= (NM_181798.2); c.1653C>T, p.Arg551= (NM_001406836.1); c.1479C>T, p.Arg493= (NM_001406837.1); c.1209C>T, p.Arg403= (NM_001406838.1); c.261C>T, p.Arg87= (NM_001406839.1).
Identifiers: ClinVar variation 138005 (VCV000138005.28), dbSNP rs200670744, ClinGen allele CA006310.